The following is an entry in ClinVar:

ClinVar aggregate classification (germline): Uncertain significance. Review status: criteria provided, multiple submitters, no conflicts (2 of 4 stars). 5 submissions from 5 submitters: Uncertain significance (5). Last evaluated 2025-04-22.

Conditions:
Hereditary cancer-predisposing syndrome. Also called: Hereditary neoplastic syndrome; Neoplastic Syndromes, Hereditary; Tumor predisposition; Hereditary Cancer Syndrome. Identifiers: Orphanet 140162, MedGen C0027672, MeSH D009386, MONDO:0015356.
Classic or attenuated familial adenomatous polyposis. Identifiers: MedGen CN372698, MONDO:0021057.
Familial adenomatous polyposis 1 (FAP1). Also called: FAMILIAL ADENOMATOUS POLYPOSIS 1, ATTENUATED; POLYPOSIS, ADENOMATOUS INTESTINAL. Identifiers: MedGen C2713442, MONDO:0021056, OMIM 175100. Disease mechanism: loss of function.

Allele frequency attached by ClinVar (database versions not stated): gnomAD 0.00001; gnomAD exomes 0.00001; TOPMed 0.00001.

Submissions (5):

Labcorp Genetics (formerly Invitae), Labcorp
Classification: Uncertain significance for Familial adenomatous polyposis 1. Last evaluated: 2025-04-22. Review status: criteria provided, single submitter. Criteria: Invitae Variant Classification Sherloc (09022015). Collection method: clinical testing. Allele origin: germline.
Comment: This sequence change replaces alanine, which is neutral and non-polar, with proline, which is neutral and non-polar, at codon 1470 of the APC protein (p.Ala1470Pro). This variant is not present in population databases (gnomAD no frequency). This variant has not been reported in the literature in individuals affected with APC-related conditions. ClinVar contains an entry for this variant (Variation ID: 422126). Invitae Evidence Modeling of protein sequence and biophysical properties (such as structural, functional, and spatial information, amino acid conservation, physicochemical variation, residue mobility, and thermodynamic stability) indicates that this missense variant is not expected to disrupt APC protein function with a negative predictive value of 95%. In summary, the available evidence is currently insufficient to determine the role of this variant in disease. Therefore, it has been classified as a Variant of Uncertain Significance.

Ambry Genetics
Classification: Uncertain significance for Hereditary cancer-predisposing syndrome. Last evaluated: 2024-11-26. Review status: criteria provided, single submitter. Criteria: Ambry Variant Classification Scheme 2023. Collection method: clinical testing. Allele origin: germline.
Comment: The p.A1470P variant (also known as c.4408G>C), located in coding exon 15 of the APC gene, results from a G to C substitution at nucleotide position 4408. The alanine at codon 1470 is replaced by proline, an amino acid with highly similar properties. Missense alterations in APC are not a common cause of disease (Spier I et al. Genet Med. 2024 Feb;26(2):100992). This amino acid position is well conserved in available vertebrate species. In addition, in silico predictors for this gene do not accurately predict pathogenicity. Based on the available evidence, the clinical significance of this variant remains unclear.

All of Us Research Program, National Institutes of Health
Classification: Uncertain significance for Classic or attenuated familial adenomatous polyposis. Last evaluated: 2024-07-10. Review status: criteria provided, single submitter. Criteria: ACMG Guidelines, 2015. Collection method: clinical testing. Allele origin: germline. Inheritance: Autosomal dominant inheritance. Observed: 2 variant alleles, 2 heterozygotes.
Comment: This missense variant replaces alanine with proline at codon 1470 of the APC protein. Computational prediction suggests that this variant may not impact protein structure and function (internally defined REVEL score threshold <= 0.5, PMID: 27666373). Splice site prediction tools suggest that this variant may not impact RNA splicing. To our knowledge, functional studies have not been performed for this variant. This variant has not been reported in individuals affected with hereditary cancer in the literature. This variant has not been identified in the general population by the Genome Aggregation Database (gnomAD). The available evidence is insufficient to determine the role of this variant in disease conclusively. Therefore, this variant is classified as a Variant of Uncertain Significance.

This study involves interpretation of variants in research participants for the purpose of population health screening. Participant phenotype was not available at the time of variant classification. Additional details can be found in publication PMID: 35346344, PMCID: PMC8962531

Color Diagnostics, LLC DBA Color Health
Classification: Uncertain significance for Hereditary cancer-predisposing syndrome. Last evaluated: 2024-06-13. Review status: criteria provided, single submitter. Criteria: ACMG Guidelines, 2015. Collection method: clinical testing. Allele origin: germline.
Comment: This missense variant replaces alanine with proline at codon 1470 of the APC protein. Computational prediction suggests that this variant may not impact protein structure and function (internally defined REVEL score threshold <= 0.5, PMID: 27666373). To our knowledge, functional studies have not been reported for this variant. This variant has not been reported in individuals affected with APC-related disorders in the literature. This variant has not been identified in the general population by the Genome Aggregation Database (gnomAD). The available evidence is insufficient to determine the role of this variant in disease conclusively. Therefore, this variant is classified as a Variant of Uncertain Significance.

GeneDx
Classification: Uncertain significance. Last evaluated: 2023-12-18. Review status: criteria provided, single submitter. Criteria: GeneDx Variant Classification Process June 2021. Collection method: clinical testing. Allele origin: germline. Affected: yes.
Comment: Not observed at significant frequency in large population cohorts (gnomAD); In silico analysis supports that this missense variant does not alter protein structure/function; Has not been previously published as pathogenic or benign to our knowledge; This variant is associated with the following publications: (PMID: 18199528)

NM_000038.6(APC):c.4408G>C (p.Ala1470Pro)

Gene: APC (APC regulator of Wnt signaling pathway; plus strand). Cytogenetic location: 5q22.2.
Variant type: single nucleotide variant.
Coding change: c.4408G>C on transcript NM_000038.6 (MANE Select); coding-DNA position 4408, G replaced by C.
Protein change: p.Ala1470Pro; replaces alanine 1470 with proline.
Molecular consequence: missense variant.
Genome position (GRCh38, 1-based): chr5:112,840,002, G>C. VCF-style: chr5-112840002-G-C. GRCh37 (hg19) VCF-style: chr5-112175699-G-C.
Other names: c.4408G>C, p.Ala1470Pro (NM_001127510.3, NM_001354895.2); c.4354G>C, p.Ala1452Pro (NM_001127511.3); c.4462G>C, p.Ala1488Pro (NM_001354896.2); c.4438G>C, p.Ala1480Pro (NM_001354897.2); c.4333G>C, p.Ala1445Pro (NM_001354898.2); c.4324G>C, p.Ala1442Pro (NM_001354899.2); c.4285G>C, p.Ala1429Pro (NM_001354900.2); c.4231G>C, p.Ala1411Pro (NM_001354901.2); and 5 more; short protein forms A1452P, A1470P, A1344P, A1310P, A1369P, A1429P, A1442P, A1480P.
Identifiers: ClinVar variation 422126 (VCV000422126.22), dbSNP rs1064795575, ClinGen allele CA16030985.